The following is an entry in ClinVar:

NM_000133.4(F9):c.194T>C (p.Met65Thr)

Gene: F9 (coagulation factor IX; plus strand). Cytogenetic location: Xq27.1.
Variant type: single nucleotide variant.
Coding change: c.194T>C on transcript NM_000133.4 (MANE Select); coding-DNA position 194, T replaced by C.
Protein change: p.Met65Thr; replaces methionine 65 with threonine.
Molecular consequence: missense variant.
Genome position (GRCh38, 1-based): chrX:139,537,115, T>C. VCF-style: chrX-139537115-T-C. GRCh37 (hg19) VCF-style: chrX-138619274-T-C.
Other names: c.194T>C, p.Met65Thr (NM_001313913.2); short protein forms M65T.
Identifiers: ClinVar variation 2418772 (VCV002418772.5), dbSNP rs1447797624, ClinGen allele CA414435964.

ClinVar aggregate classification (germline): Uncertain significance (1 of 4 stars; one submission).

Conditions:
Thrombophilia, X-linked, due to factor 9 defect. Identifiers: MedGen C2749016, MONDO:0010432, OMIM 300807.
Hereditary factor IX deficiency disease (HEMB). Also called: F9 DEFICIENCY; FACTOR IX DEFICIENCY; Christmas Disease; PLASMA THROMBOPLASTIN COMPONENT DEFICIENCY; Hemophilia B. Identifiers: Orphanet 98879, MedGen C0008533, MeSH D002836, MONDO:0010604, OMIM 306900.

Allele frequency attached by ClinVar (database versions not stated): gnomAD exomes 0.00001; TOPMed 0.00001.

Submission:

Labcorp Genetics (formerly Invitae), Labcorp
Classification: Uncertain significance for Thrombophilia, X-linked, due to factor 9 defect; Hereditary factor IX deficiency disease. Last evaluated: 2022-11-08. Review status: criteria provided, single submitter. Criteria: Invitae Variant Classification Sherloc (09022015). Collection method: clinical testing. Allele origin: germline.
Comment: This sequence change replaces methionine, which is neutral and non-polar, with threonine, which is neutral and polar, at codon 65 of the F9 protein (p.Met65Thr). This variant is present in population databases (no rsID available, gnomAD 0.005%). This variant has not been reported in the literature in individuals affected with F9-related conditions. Algorithms developed to predict the effect of missense changes on protein structure and function (SIFT, PolyPhen-2, Align-GVGD) all suggest that this variant is likely to be tolerated. In summary, the available evidence is currently insufficient to determine the role of this variant in disease. Therefore, it has been classified as a Variant of Uncertain Significance.